The following is an entry in ClinVar:

NM_000038.6(APC):c.230T>A (p.Leu77Ter)

Gene: APC (APC regulator of Wnt signaling pathway; plus strand). Cytogenetic location: 5q22.2.
Variant type: single nucleotide variant.
Coding change: c.230T>A on transcript NM_000038.6 (MANE Select); coding-DNA position 230, T replaced by A.
Protein change: p.Leu77Ter; replaces leucine 77 with a stop codon.
Molecular consequence: nonsense. On other transcripts: 5 prime UTR variant (1).
Genome position (GRCh38, 1-based): chr5:112,767,198, T>A. VCF-style: chr5-112767198-T-A. GRCh37 (hg19) VCF-style: chr5-112102895-T-A.
Other names: c.230T>A, p.Leu77Ter (NM_001127510.3, NM_001354895.2, NM_001354896.2 and 2 more transcripts); c.260T>A, p.Leu87Ter (NM_001127511.3, NM_001354897.2, NM_001354902.2); c.155T>A, p.Leu52Ter (NM_001354898.2, NM_001354904.2); c.53T>A, p.Leu18Ter (NM_001354900.2, NM_001354901.2, NM_001354905.2); c.-806T>A (NM_001354906.2); short protein forms L18*, L52*, L77*, L87*.
Identifiers: ClinVar variation 1050615 (VCV001050615.3), dbSNP rs2149787552, ClinGen allele CA16021843.

ClinVar aggregate classification (germline): Pathogenic. Review status: criteria provided, single submitter (1 of 4 stars). 2 submissions from 2 submitters: Pathogenic (1). 1 of the submissions does not count toward it. Last evaluated 2017-11-20.

Conditions:
Hereditary cancer-predisposing syndrome. Also called: Tumor predisposition; Hereditary neoplastic syndrome; Hereditary Cancer Syndrome; Neoplastic Syndromes, Hereditary. Identifiers: Orphanet 140162, MedGen C0027672, MeSH D009386, MONDO:0015356.
Familial adenomatous polyposis 1 (FAP1). Also called: POLYPOSIS, ADENOMATOUS INTESTINAL; FAMILIAL ADENOMATOUS POLYPOSIS 1, ATTENUATED. Identifiers: MedGen C2713442, MONDO:0021056, OMIM 175100. Disease mechanism: loss of function.

Submissions (2):

Ambry Genetics
Classification: Pathogenic for Hereditary cancer-predisposing syndrome. Last evaluated: 2017-11-20. Review status: criteria provided, single submitter. Criteria: Ambry Variant Classification Scheme 2023. Collection method: clinical testing. Allele origin: germline.
Comment: The p.L77* pathogenic mutation (also known as c.230T>A), located in coding exon 3 of the APC gene, results from a T to A substitution at nucleotide position 230. This changes the amino acid from a leucine to a stop codon within coding exon 3. This alteration is expected to result in loss of function by premature protein truncation or nonsense-mediated mRNA decay. As such, this alteration is interpreted as a disease-causing mutation.

Department of Pathology and Laboratory Medicine, Sinai Health System
Classification: Pathogenic for Familial adenomatous polyposis 1. Review status: no assertion criteria provided. Collection method: clinical testing. Allele origin: unknown. Affected: yes. Study: The Canadian Open Genetics Repository (COGR). Not counted in ClinVar's aggregate classification.
Comment: The APC p.Leu77X variant was not identified in the literature nor was it identified in the dbSNP, ClinVar, GeneInsight-COGR, Cosmic, MutDB, UMD-LSDB, Insight Colon Cancer Gene Variant Database, and Zhejiang Colon Cancer Databases. However a variant at this position (c.230T>G, p.Leu77X) was identified in the literature in a study of Czech and Slovak FAP families with an attenuated phenotype of the proband (Stekrova 2007). The variant was not identified in the 1000 Genomes Project, the NHLBI GO Exome Sequencing Project or the Exome Aggregation Consortium (August 8th 2016) control databases. The p.Leu77X variant leads to a premature stop codon at position 77, this alteration is predicted to result in a truncated or absent protein and loss of function; however, one study has demonstrated that for APC mutations closer to the 5â€šÃ„Ã´ terminus, an internal ribosome entry site is utilized to initiate translation at codon 184, resulting in a partially functional N-terminally truncated protein, which results in an attenuated phenotype (Heppner Goss 2002). Loss of function variants of the APC gene are an established mechanism of disease in FAP and is the type of variant expected to cause the disorder. In summary, based on the above information this variant meets our laboratoryâ€šÃ„Ã´s criteria to be classified as pathogenic.